The following is an entry in ClinVar:

NM_182914.3(SYNE2):c.*720C>T

Gene: SYNE2 (spectrin repeat containing nuclear envelope protein 2; plus strand). Cytogenetic location: 14q23.2.
Variant type: single nucleotide variant.
Coding change: c.*720C>T on transcript NM_182914.3 (MANE Select); 720 bases downstream of the stop codon, C replaced by T.
Molecular consequence: 3 prime UTR variant.
Genome position (GRCh38, 1-based): chr14:64,226,246, C>T. VCF-style: chr14-64226246-C-T. GRCh37 (hg19) VCF-style: chr14-64692964-C-T.
Other names: c.*720C>T (NM_015180.6, NM_182910.2, NM_182913.4).
Identifiers: ClinVar variation 313690 (VCV000313690.5), dbSNP rs539694463, ClinGen allele CA10640580.

ClinVar aggregate classification (germline): Benign (1 of 4 stars; one submission).

Conditions:
Emery-Dreifuss muscular dystrophy 5, autosomal dominant (EDMD5). Also called: EMERY-DREIFUSS MUSCULAR DYSTROPHY 5. Identifiers: Orphanet 261, MedGen C2751805, MONDO:0013072, OMIM 612999.

Allele frequency attached by ClinVar (database versions not stated): TOPMed 0.00017; gnomAD 0.00022; 1000 Genomes Project 30x 0.00031; 1000 Genomes Project 0.00040.

Submission:

Illumina Laboratory Services, Illumina
Classification: Benign for Emery-Dreifuss muscular dystrophy 5, autosomal dominant. Last evaluated: 2018-01-12. Review status: criteria provided, single submitter. Criteria: ICSL Variant Classification Criteria 13 December 2019. Collection method: clinical testing. Allele origin: germline.
Comment: This variant was observed in the ICSL laboratory as part of a predisposition screen in an ostensibly healthy population. It had not been previously curated by ICSL or reported in the Human Gene Mutation Database (HGMD: prior to June 1st, 2018), and was therefore a candidate for classification through an automated scoring system. Utilizing variant allele frequency, disease prevalence and penetrance estimates, and inheritance mode, an automated score was calculated to assess if this variant is too frequent to cause the disease. Based on the score and internal cut-off values, a variant classified as benign is not then subjected to further curation. The score for this variant resulted in a classification of benign for this disease.